The following is an entry in ClinVar:

NM_016239.4(MYO15A):c.[1185dup];[4879G>T]

Variant type: CompoundHeterozygote.
Identifiers: ClinVar variation 800645 (VCV000800645.2).

ClinVar aggregate classification (germline): Pathogenic (0 of 4 stars; one submission).

Conditions:
Autosomal recessive nonsyndromic hearing loss 3. Also called: NEUROSENSORY NONSYNDROMIC RECESSIVE DEAFNESS 3. Identifiers: Orphanet 90636, MedGen C1838263, MONDO:0010860, OMIM 600316.

Submission:

Laboratory of Molecular Genetics, Brain Korea 21 PLUS Project for Medical Sciences, Yonsei University College of Medicine
Classification: Pathogenic for Autosomal recessive nonsyndromic hearing loss 3. Last evaluated: 2019-08-08. Review status: no assertion criteria provided. Collection method: research. Allele origin: germline. Inheritance: Autosomal recessive inheritance. Affected: yes. Observed: 1 variant allele, 1 compound heterozygote.
Comment: NSHL had a characteristic of severe and profound hearing loss.